The following is an entry in ClinVar:

NM_024642.5(GALNT12):c.1088A>G (p.His363Arg)

Gene: GALNT12 (polypeptide N-acetylgalactosaminyltransferase 12; plus strand). Cytogenetic location: 9q22.33.
Variant type: single nucleotide variant.
Coding change: c.1088A>G on transcript NM_024642.5 (MANE Select); coding-DNA position 1088, A replaced by G.
Protein change: p.His363Arg; replaces histidine 363 with arginine.
Molecular consequence: missense variant.
Genome position (GRCh38, 1-based): chr9:98,837,024, A>G. VCF-style: chr9-98837024-A-G. GRCh37 (hg19) VCF-style: chr9-101599306-A-G.
Other names: short protein forms H363R.
Identifiers: ClinVar variation 2447039 (VCV002447039.2), dbSNP rs1197262411, ClinGen allele CA374219764.

ClinVar aggregate classification (germline): Uncertain significance (1 of 4 stars; one submission).

Allele frequency attached by ClinVar (database versions not stated): gnomAD exomes below 0.00001.
gnomAD v4.1: 1 of 1,614,152 alleles (0.000062%); highest among the groups gnomAD compares: Admixed American, 0.0017%; no homozygotes.

Submission:

Ambry Genetics
Classification: Uncertain significance. Last evaluated: 2023-01-18. Review status: criteria provided, single submitter. Criteria: Ambry Variant Classification Scheme 2023. Collection method: clinical testing. Allele origin: germline.
Comment: The p.H363R variant (also known as c.1088A>G), located in coding exon 6 of the GALNT12 gene, results from an A to G substitution at nucleotide position 1088. The histidine at codon 363 is replaced by arginine, an amino acid with highly similar properties. This amino acid position is conserved. In addition, this alteration is predicted to be deleterious by in silico analysis. Since supporting evidence is limited at this time, the clinical significance of this alteration remains unclear.